The following is an entry in ClinVar:

ClinVar aggregate classification (germline): Pathogenic (1 of 4 stars; one submission).

Conditions:
Retinoblastoma (RB1). Also called: RETINOBLASTOMA, SOMATIC. Identifiers: Orphanet 790, MedGen C0035335, MeSH D012175, MONDO:0008380, OMIM 180200, HP:0009919. Disease mechanism: loss of function. Inheritance: Both sporadic and heritable forms are tested..

Submission:

Genetic Diagnostic Laboratory, University of Pennsylvania School of Medicine
Classification: Pathogenic for Retinoblastoma. Last evaluated: 2024-05-20. Review status: criteria provided, single submitter. Criteria: ACMG Guidelines, 2015. Collection method: clinical testing. Allele origin: germline. Affected: yes. Observed: 1 variant allele.
Comment: Case and Pedigree Information: BILATERAL CASES:1, UNILATERAL CASES:0, TOTAL CASES:1, PEDIGREES:1. ACMG Codes Applied:PVS1, PM2

NM_000321.3(RB1):c.2022del (p.Glu675fs)

Gene: RB1 (RB transcriptional corepressor 1; plus strand). Cytogenetic location: 13q14.2.
Variant type: Deletion.
Coding change: c.2022del on transcript NM_000321.3 (MANE Select); coding-DNA position 2022, one base deleted (A; older notation c.2022delA).
Protein change: p.Glu675fs; shifts the reading frame from glutamic acid 675.
Molecular consequence: frameshift variant.
Genome position (GRCh38, 1-based): chr13:48,459,749, A deleted. VCF-style (leftmost placement, unchanged base first): chr13-48459748-CA-C. GRCh37 (hg19) VCF-style: chr13-49033884-CA-C.
Other names: c.2022del, p.Glu675fs (NM_001407165.1); short protein forms E675fs.
Identifiers: ClinVar variation 3237057 (VCV003237057.1), dbSNP rs2542368202.